The following is an entry in ClinVar:

ClinVar aggregate classification (germline): Pathogenic (1 of 4 stars; one submission).

Conditions:
DICER1-related tumor predisposition. Also called: DICER1 syndrome; DICER1-related pleuropulmonary blastoma cancer predisposition syndrome. Identifiers: Orphanet 284343, MedGen C3839822, MONDO:0100216.

Submission:

Labcorp Genetics (formerly Invitae), Labcorp
Classification: Pathogenic for DICER1-related tumor predisposition. Last evaluated: 2025-05-14. Review status: criteria provided, single submitter. Criteria: Invitae Variant Classification Sherloc (09022015). Collection method: clinical testing. Allele origin: germline.
Comment: This sequence change creates a premature translational stop signal (p.Ser1618*) in the DICER1 gene. It is expected to result in an absent or disrupted protein product. Loss-of-function variants in DICER1 are known to be pathogenic (PMID: 19556464, 21266384). This variant is not present in population databases (gnomAD no frequency). This variant has not been reported in the literature in individuals affected with DICER1-related conditions. For these reasons, this variant has been classified as Pathogenic.

Literature cited by the submitters: PubMed 19556464; PubMed 21266384.

NM_177438.3(DICER1):c.4853C>G (p.Ser1618Ter)

Gene: DICER1 (dicer 1, ribonuclease III; minus strand). Cytogenetic location: 14q32.13.
Variant type: single nucleotide variant.
Coding change: c.4853C>G on transcript NM_177438.3 (MANE Select); coding-DNA position 4853, C replaced by G.
Protein change: p.Ser1618Ter; replaces serine 1618 with a stop codon.
Molecular consequence: nonsense. On other transcripts: non-coding transcript variant (6).
Genome position (GRCh38, 1-based): chr14:95,096,067, G>C on the plus strand (C>G on the coding strand, the complement: DICER1 is on the minus strand). VCF-style: chr14-95096067-G-C. GRCh37 (hg19) VCF-style: chr14-95562404-G-C.
Other names: c.4853C>G, p.Ser1618Ter (NM_001195573.1, NM_001271282.3, NM_001291628.2 and 12 more transcripts); c.4571C>G, p.Ser1524Ter (NM_001395686.1); c.4448C>G, p.Ser1483Ter (NM_001395687.1, NM_001395688.1, NM_001395689.1 and 2 more transcripts); c.4286C>G, p.Ser1429Ter (NM_001395691.1); c.3170C>G, p.Ser1057Ter (NM_001395697.1); short protein forms S1429*, S1618*, S1057*, S1483*, S1524*.
Identifiers: ClinVar variation 4719573 (VCV004719573.1).